The following is an entry in ClinVar:

NM_144999.4(LRRC45):c.1860C>G (p.Ser620Arg)

Gene: LRRC45 (leucine rich repeat containing 45; plus strand). Cytogenetic location: 17q25.3.
Variant type: single nucleotide variant.
Coding change: c.1860C>G on transcript NM_144999.4 (MANE Select); coding-DNA position 1860, C replaced by G.
Protein change: p.Ser620Arg; replaces serine 620 with arginine.
Molecular consequence: missense variant.
Genome position (GRCh38, 1-based): chr17:82,030,652, C>G. VCF-style: chr17-82030652-C-G. GRCh37 (hg19) VCF-style: chr17-79988528-C-G.
Other names: short protein forms S620R.
Identifiers: ClinVar variation 4981615 (VCV004981615.1).

ClinVar aggregate classification (germline): Uncertain significance (1 of 4 stars; one submission).

Conditions:
LRRC45-related disorder. Also called: LRRC45-related condition.

gnomAD v4.1: 40 of 1,425,270 alleles (0.0028%); highest among the groups gnomAD compares: South Asian, 0.059%; 1 homozygote.

Submission:

PreventionGenetics, part of Exact Sciences
Classification: Uncertain significance for LRRC45-related condition. Last evaluated: 2024-10-29. Review status: criteria provided, single submitter. Criteria: ACMG Guidelines, 2015. Collection method: clinical testing. Allele origin: germline.
Comment: The LRRC45 c.1860C>G variant is predicted to result in the amino acid substitution p.Ser620Arg. To our knowledge, this variant has not been reported in the literature. This variant is reported in 0.065% of alleles in individuals of South Asian descent in gnomAD. At this time, the clinical significance of this variant is uncertain due to the absence of conclusive functional and genetic evidence.